The following is an entry in ClinVar:

NM_178140.4(PDZD2):c.2961G>A (p.Gly987=)

Gene: PDZD2 (PDZ domain containing 2; plus strand). Cytogenetic location: 5p13.3.
Variant type: single nucleotide variant.
Coding change: c.2961G>A on transcript NM_178140.4 (MANE Select); coding-DNA position 2961, G replaced by A.
Protein change: p.Gly987=; no amino-acid change (glycine 987 retained).
Molecular consequence: synonymous variant.
Genome position (GRCh38, 1-based): chr5:32,074,067, G>A. VCF-style: chr5-32074067-G-A. GRCh37 (hg19) VCF-style: chr5-32074173-G-A.
Identifiers: ClinVar variation 3055434 (VCV003055434.2), dbSNP rs79901850, ClinGen allele CA3219356.

ClinVar aggregate classification (germline): Benign (0 of 4 stars; one submission).

Conditions:
PDZD2-related disorder. Also called: PDZD2-related condition.

Allele frequency attached by ClinVar (database versions not stated): 1000 Genomes Project 0.01358; 1000 Genomes Project 30x 0.01390; TOPMed 0.02476; gnomAD 0.02496; ESP Exome Variant Server 0.02922.
gnomAD v4.1: 56,088 of 1,614,026 alleles (3.5%); highest among the groups gnomAD compares: Non-Finnish European, 4.2%; 1,139 homozygotes.

Submission:

PreventionGenetics, part of Exact Sciences
Classification: Benign for PDZD2-related condition. Last evaluated: 2019-02-19. Review status: no assertion criteria provided. Collection method: clinical testing. Allele origin: germline.
Comment: This variant is classified as benign based on ACMG/AMP sequence variant interpretation guidelines (Richards et al. 2015 PMID: 25741868, with internal and published modifications).